The following is an entry in ClinVar:

NM_002439.5(MSH3):c.2708G>T (p.Ser903Ile)

Gene: MSH3 (mutS homolog 3; plus strand). Cytogenetic location: 5q14.1.
Variant type: single nucleotide variant.
Coding change: c.2708G>T on transcript NM_002439.5 (MANE Select); coding-DNA position 2708, G replaced by T.
Protein change: p.Ser903Ile; replaces serine 903 with isoleucine.
Molecular consequence: missense variant.
Genome position (GRCh38, 1-based): chr5:80,813,636, G>T. VCF-style: chr5-80813636-G-T. GRCh37 (hg19) VCF-style: chr5-80109455-G-T.
Other names: short protein forms S903I.
Identifiers: ClinVar variation 4860345 (VCV004860345.1).

ClinVar aggregate classification (germline): Uncertain significance (1 of 4 stars; one submission).

Conditions:
Hereditary cancer-predisposing syndrome. Also called: Neoplastic Syndromes, Hereditary; Tumor predisposition; Hereditary Cancer Syndrome; Hereditary neoplastic syndrome. Identifiers: Orphanet 140162, MedGen C0027672, MeSH D009386, MONDO:0015356.

Submission:

Ambry Genetics
Classification: Uncertain significance for Hereditary cancer-predisposing syndrome. Last evaluated: 2026-05-02. Review status: criteria provided, single submitter. Criteria: Ambry Variant Classification Scheme 2023. Collection method: clinical testing. Allele origin: germline.
Comment: The p.S903I variant (also known as c.2708G>T), located in coding exon 20 of the MSH3 gene, results from a G to T substitution at nucleotide position 2708. The serine at codon 903 is replaced by isoleucine, an amino acid with dissimilar properties. This amino acid position is conserved. In addition, this alteration is predicted to be deleterious by in silico analysis. Based on the available evidence, the clinical significance of this variant remains unclear.